The following is an entry in ClinVar:

ClinVar aggregate classification (germline): Uncertain significance (1 of 4 stars; one submission).

Submission:

Labcorp Genetics (formerly Invitae), Labcorp
Classification: Uncertain significance. Last evaluated: 2022-07-05. Review status: criteria provided, single submitter. Criteria: Invitae Variant Classification Sherloc (09022015). Collection method: clinical testing. Allele origin: germline.
Comment: In summary, the available evidence is currently insufficient to determine the role of this variant in disease. Therefore, it has been classified as a Variant of Uncertain Significance. Algorithms developed to predict the effect of sequence changes on RNA splicing suggest that this variant is not likely to affect RNA splicing. This variant has not been reported in the literature in individuals affected with HACE1-related conditions. This variant is not present in population databases (gnomAD no frequency). This sequence change affects codon 109 of the HACE1 mRNA. It is a 'silent' change, meaning that it does not change the encoded amino acid sequence of the HACE1 protein. It affects a nucleotide within the consensus splice site.

NM_020771.4(HACE1):c.327G>A (p.Gly109=)

Gene: HACE1 (HECT domain and ankyrin repeat containing E3 ubiquitin protein ligase 1; minus strand). Cytogenetic location: 6q16.3.
Variant type: single nucleotide variant.
Coding change: c.327G>A on transcript NM_020771.4 (MANE Select); coding-DNA position 327, G replaced by A.
Protein change: p.Gly109=; no amino-acid change (glycine 109 retained).
Molecular consequence: synonymous variant. On other transcripts: 5 prime UTR variant (3), non-coding transcript variant (6), intron variant (4).
Genome position (GRCh38, 1-based): chr6:104,843,298, C>T on the plus strand (G>A on the coding strand, the complement: HACE1 is on the minus strand). VCF-style: chr6-104843298-C-T. GRCh37 (hg19) VCF-style: chr6-105291173-C-T.
Other names: c.327G>A, p.Gly109= (NM_001321080.2); c.225G>A, p.Gly75= (NM_001321083.2, NM_001350554.2); c.-95G>A (NM_001321084.2, NM_001350558.2); c.-41G>A (NM_001350559.2); c.326+5844G>A (NM_001350555.2); c.-250+5844G>A (NM_001350560.2); c.-20+5844G>A (NM_001350557.2); c.-85+5844G>A (NM_001350556.2).
Identifiers: ClinVar variation 2014118 (VCV002014118.4), dbSNP rs2483906292, ClinGen allele CA451396420.